The following is an entry in ClinVar:

ClinVar aggregate classification (germline): Pathogenic/Likely pathogenic. Review status: criteria provided, multiple submitters, no conflicts (2 of 4 stars). 2 submissions from 2 submitters: Pathogenic (1); Likely pathogenic (1). Last evaluated 2026-01-01.

Conditions:
Hereditary insensitivity to pain with anhidrosis (CIPA). Also called: NEUROPATHY, CONGENITAL SENSORY, WITH ANHIDROSIS; hereditary sensory and autonomic neuropathy type 4; INSENSITIVITY TO PAIN, CONGENITAL, WITH ANHIDROSIS; FAMILIAL DYSAUTONOMIA, TYPE II; NTRK1 Congenital Insensitivity to Pain with Anhidrosis; HSAN Type IV. Identifiers: Orphanet 642, MedGen C0020074, MONDO:0009746, OMIM 256800.

Allele frequency attached by ClinVar (database versions not stated): gnomAD 0.00001; gnomAD exomes 0.00001; ExAC 0.00003.
gnomAD v4.1: 9 of 1,613,622 alleles (0.00056%); highest among the groups gnomAD compares: East Asian, 0.0045%; no homozygotes.

Submissions (2):

CeGaT Center for Human Genetics Tuebingen
Classification: Likely pathogenic. Last evaluated: 2026-01-01. Review status: criteria provided, single submitter. Criteria: CeGaT Center For Human Genetics Tuebingen Variant Classification Criteria Version 2. Collection method: clinical testing. Allele origin: germline. Affected: yes. Observed: 1 variant allele.
Comment: NTRK1: PM2, PM3, PM5, PP3

Labcorp Genetics (formerly Invitae), Labcorp
Classification: Pathogenic for Hereditary insensitivity to pain with anhidrosis. Last evaluated: 2024-12-30. Review status: criteria provided, single submitter. Criteria: Invitae Variant Classification Sherloc (09022015). Collection method: clinical testing. Allele origin: germline.
Comment: This sequence change replaces glycine, which is neutral and non-polar, with serine, which is neutral and polar, at codon 571 of the NTRK1 protein (p.Gly571Ser). This variant is present in population databases (rs121964866, gnomAD 0.01%). This missense change has been observed in individual(s) with clinical features of NTRK1-related conditions (PMID: 29770739; internal data). In at least one individual the data is consistent with being in trans (on the opposite chromosome) from a pathogenic variant. ClinVar contains an entry for this variant (Variation ID: 2040315). Invitae Evidence Modeling of protein sequence and biophysical properties (such as structural, functional, and spatial information, amino acid conservation, physicochemical variation, residue mobility, and thermodynamic stability) indicates that this missense variant is expected to disrupt NTRK1 protein function with a positive predictive value of 95%. For these reasons, this variant has been classified as Pathogenic.

Literature cited by the submitters: PubMed 29770739 (cited by Labcorp Genetics (formerly Invitae), Labcorp).

NM_002529.4(NTRK1):c.1729G>A (p.Gly577Ser)

Gene: NTRK1 (neurotrophic receptor tyrosine kinase 1; plus strand). Cytogenetic location: 1q23.1.
Variant type: single nucleotide variant.
Coding change: c.1729G>A on transcript NM_002529.4 (MANE Select); coding-DNA position 1729, G replaced by A.
Protein change: p.Gly577Ser; replaces glycine 577 with serine.
Molecular consequence: missense variant.
Genome position (GRCh38, 1-based): chr1:156,876,496, G>A. VCF-style: chr1-156876496-G-A. GRCh37 (hg19) VCF-style: chr1-156846288-G-A.
Other names: c.1729G>A, p.Gly577Ser (NM_001007204.1); c.1621G>A, p.Gly541Ser (NM_001007792.1); c.1711G>A, p.Gly571Ser (NM_001012331.2); short protein forms G541S, G571S, G577S.
Identifiers: ClinVar variation 2040315 (VCV002040315.8), dbSNP rs121964866, ClinGen allele CA1169449.